The following is an entry in ClinVar:

NM_001003694.2(BRPF1):c.780T>C (p.Ser260=)

Gene: BRPF1 (bromodomain and PHD finger containing 1; plus strand). Cytogenetic location: 3p25.3.
Variant type: single nucleotide variant.
Coding change: c.780T>C on transcript NM_001003694.2 (MANE Select); coding-DNA position 780, T replaced by C.
Protein change: p.Ser260=; no amino-acid change (serine 260 retained).
Molecular consequence: synonymous variant. On other transcripts: non-coding transcript variant (1).
Genome position (GRCh38, 1-based): chr3:9,739,179, T>C. VCF-style: chr3-9739179-T-C. GRCh37 (hg19) VCF-style: chr3-9780863-T-C.
Other names: c.780T>C, p.Ser260= (NM_001319049.2, NM_001319050.2, NM_001410704.1 and 1 more transcripts).
Identifiers: ClinVar variation 3057358 (VCV003057358.2), dbSNP rs767757496, ClinGen allele CA2241774.
Genomic context (GRCh38, chr3:9,739,179, plus strand): 5'-CCCGCAGGAGATCTTTGAGTACCTAATGGACCGACTGGAGAAGGAGTCGTACTTTGAGAG[T>C]CATAATAAAGGCGACCCTAATGCGCTAGTGGACGAGGATGCTGTTTGCTGTATCTGCAAT-3'
Protein context (NP_001003694.1, residues 250-270): DRLEKESYFE[Ser260=]HNKGDPNALV

ClinVar aggregate classification (germline): Likely benign (0 of 4 stars; one submission).

Conditions:
BRPF1-related disorder. Also called: BRPF1-related condition.

Allele frequency attached by ClinVar (database versions not stated): ExAC 0.00001; gnomAD exomes 0.00001.

Submission:

PreventionGenetics, part of Exact Sciences
Classification: Likely benign for BRPF1-related condition. Last evaluated: 2019-03-29. Review status: no assertion criteria provided. Collection method: clinical testing. Allele origin: germline.
Comment: This variant is classified as likely benign based on ACMG/AMP sequence variant interpretation guidelines (Richards et al. 2015 PMID: 25741868, with internal and published modifications).